The following is an entry in ClinVar:

NM_000219.6(KCNE1):c.318C>T (p.Cys106=)

Gene: KCNE1 (potassium voltage-gated channel subfamily E regulatory subunit 1; minus strand). Cytogenetic location: 21q22.12.
Variant type: single nucleotide variant.
Coding change: c.318C>T on transcript NM_000219.6 (MANE Select); coding-DNA position 318, C replaced by T.
Protein change: p.Cys106=; no amino-acid change (cysteine 106 retained).
Molecular consequence: synonymous variant.
Genome position (GRCh38, 1-based): chr21:34,449,317, G>A on the plus strand (C>T on the coding strand, the complement: KCNE1 is on the minus strand). VCF-style: chr21-34449317-G-A. GRCh37 (hg19) VCF-style: chr21-35821615-G-A.
Other names: c.318C>T, p.Cys106= (NM_001127668.4, NM_001127669.4, NM_001127670.4 and 4 more transcripts).
Identifiers: ClinVar variation 3374625 (VCV003374625.2).
Genomic context (GRCh38, chr21:34,449,317, plus strand): 5'-CTTCGTCTCAGGAAGGTGTGTGTTGGGTTGTTCTATGGCCAGATGGTTTTCAACGACATA[G>A]CACGACCTGTAGCTCTCCAGGACCCGGGCCTGGACATAGGCCTTGTCCTTCTCTTGCCAG-3'
Protein context (NP_000210.2, residues 96-116): QARVLESYRS[Cys106=]YVVENHLAIE

Conditions:
Long QT syndrome 5 (LQT5). Identifiers: Orphanet 101016, Orphanet 768, MedGen C1867904, MONDO:0013372, OMIM 613695.

Submission:

Roden Lab, Vanderbilt University Medical Center
No classification provided (evidence only). Condition: Long QT syndrome 5. Review status: no classification provided. Collection method: in vitro. Allele origin: not applicable. Functional consequence: Effect on ion channel function.
ClinVar note: "not provided" was previously submitted as the classification for the variant. However, the classification appeared to be based only on an observation of functional data so it was converted to no classification on 2025-07-30.